The following is an entry in ClinVar:

NM_021224.6(ZNF462):c.5743A>G (p.Asn1915Asp)

Gene: ZNF462 (zinc finger protein 462; plus strand). Cytogenetic location: 9q31.2.
Variant type: single nucleotide variant.
Coding change: c.5743A>G on transcript NM_021224.6 (MANE Select); coding-DNA position 5743, A replaced by G.
Protein change: p.Asn1915Asp; replaces asparagine 1915 with aspartic acid.
Molecular consequence: missense variant. On other transcripts: intron variant (1).
Genome position (GRCh38, 1-based): chr9:106,929,655, A>G. VCF-style: chr9-106929655-A-G. GRCh37 (hg19) VCF-style: chr9-109691936-A-G.
Other names: c.3253-870A>G (NM_001347997.2); short protein forms N1915D.
Identifiers: ClinVar variation 4532699 (VCV004532699.1).
Genomic context (GRCh38, chr9:106,929,655, plus strand): 5'-AAGCACTGTGATAGCAAACTGCAAAGCACAGCCGAGCTGACCTCACACTTGAACATTCAC[A>G]ATGAGGAATTCCAGAAGCGTGCCAAACGTCAGGAGAGGAGGAAACAGCTTTTGAGCAAGC-3'
Protein context (NP_067047.4, residues 1905-1925): AELTSHLNIH[Asn1915Asp]EEFQKRAKRQ

ClinVar aggregate classification (germline): Uncertain significance (1 of 4 stars; one submission).

Submission:

GeneDx
Classification: Uncertain significance. Last evaluated: 2025-05-29. Review status: criteria provided, single submitter. Criteria: GeneDx Variant Classification Process June 2021. Collection method: clinical testing. Allele origin: germline. Affected: yes.
Comment: Not observed at significant frequency in large population cohorts (gnomAD); In silico analysis supports that this missense variant has a deleterious effect on protein structure/function; Has not been previously published as pathogenic or benign to our knowledge